The following is an entry in ClinVar:

NM_000395.3(CSF2RB):c.1996C>T (p.Pro666Ser)

Gene: CSF2RB (colony stimulating factor 2 receptor subunit beta; plus strand). Cytogenetic location: 22q12.3.
Variant type: single nucleotide variant.
Coding change: c.1996C>T on transcript NM_000395.3 (MANE Select); coding-DNA position 1996, C replaced by T.
Protein change: p.Pro666Ser; replaces proline 666 with serine.
Molecular consequence: missense variant.
Genome position (GRCh38, 1-based): chr22:36,937,804, C>T. VCF-style: chr22-36937804-C-T. GRCh37 (hg19) VCF-style: chr22-37333846-C-T.
Other names: c.2014C>T, p.Pro672Ser (NM_001410827.1); short protein forms P666S, P672S.
Identifiers: ClinVar variation 4746853 (VCV004746853.1).

ClinVar aggregate classification (germline): Uncertain significance (1 of 4 stars; one submission).

Submission:

Labcorp Genetics (formerly Invitae), Labcorp
Classification: Uncertain significance. Last evaluated: 2025-04-17. Review status: criteria provided, single submitter. Criteria: Invitae Variant Classification Sherloc (09022015). Collection method: clinical testing. Allele origin: germline.
Comment: This sequence change replaces proline, which is neutral and non-polar, with serine, which is neutral and polar, at codon 666 of the CSF2RB protein (p.Pro666Ser). This variant is not present in population databases (gnomAD no frequency). This variant has not been reported in the literature in individuals affected with CSF2RB-related conditions. An algorithm developed to predict the effect of missense changes on protein structure and function outputs the following: PolyPhen-2: "Benign". The serine amino acid residue is found in multiple mammalian species, which suggests that this missense change does not adversely affect protein function. In summary, the available evidence is currently insufficient to determine the role of this variant in disease. Therefore, it has been classified as a Variant of Uncertain Significance.